The following is an entry in ClinVar:

ClinVar aggregate classification (germline): Likely pathogenic (3 of 4 stars; one submission).

Conditions:
Glanzmann thrombasthenia. Also called: BLEEDING DISORDER, PLATELET-TYPE, 2; THROMBASTHENIA OF GLANZMANN AND NAEGELI; PLATELET GLYCOPROTEIN IIb-IIIa DEFICIENCY; Thrombasthenia; Glanzmann's thrombasthenia. Identifiers: Orphanet 849, MedGen C0040015, MONDO:0100326.

Submission:

ClinGen Platelet Disorders Variant Curation Expert Panel, ClinGen
Classification: Likely pathogenic for Glanzmann thrombasthenia. Last evaluated: 2024-05-02. Review status: reviewed by expert panel. Criteria: ClinGen Platelet ACMG Specifications v2-1. Collection method: curation. Allele origin: germline. Inheritance: Autosomal recessive inheritance.
Comment: NM_000212.3(ITGB3):c.1031A>G (p.Tyr344Cys) is a missense variant that is absent from gnomADv4.0 (PM2_supporting). In silico tools predict a deleterious effect on the gene product (REVEL score =0.987; PP3). This variant has been reported in the homozygous state (PM3_suuporting) in at least one individual who satisfies diagnostic criteria for GT phenotype (PMID: 19691478, PMID: 25275492). Flowcytometry demonstrated reduced (5-20%) surface expression of aIIb-b3 (PP4_moderate). A missense change at the same amino acid residue, p.Tyr344Ser, has been classified as likely pathogenic by ClinGen Platelet Disorders VCEP (SCV001809886.1; PM5_supporting). This variant satisfies PD VCEP specified criteria for PM5_supporting, PP4_moderate, PM2_supporting, PM3_supporting and PP3 and is therefore classified as Likely Pathogenic for autosomal recessive Glanzmann thrombasthenia.

NM_000212.3(ITGB3):c.1031A>G (p.Tyr344Cys)

Gene: ITGB3 (integrin subunit beta 3; plus strand). Cytogenetic location: 17q21.32.
Variant type: single nucleotide variant.
Coding change: c.1031A>G on transcript NM_000212.3 (MANE Select); coding-DNA position 1031, A replaced by G.
Protein change: p.Tyr344Cys; replaces tyrosine 344 with cysteine.
Molecular consequence: missense variant.
Genome position (GRCh38, 1-based): chr17:47,289,772, A>G. VCF-style: chr17-47289772-A-G. GRCh37 (hg19) VCF-style: chr17-45367138-A-G.
Other names: short protein forms Y344C.
Identifiers: ClinVar variation 1210199 (VCV001210199.2), dbSNP rs2065118116, ClinGen allele CA400025816.
Genomic context (GRCh38, chr17:47,289,772, plus strand): 5'-AGCTATCCCAGAAAAACATCAATTTGATCTTTGCAGTGACTGAAAATGTAGTCAATCTCT[A>G]TCAGGTGACTGTGCCTTCGGGCTTCCTGGAGTGGGCCCTGTGATGGTGGGTGCCCCAGGT-3'
Protein context (NP_000203.2, residues 334-354): FAVTENVVNL[Tyr344Cys]QNYSELIPGT